The following is an entry in ClinVar:

ClinVar aggregate classification (germline): Benign (0 of 4 stars; one submission).

Conditions:
CACNA2D3-related disorder. Also called: CACNA2D3-related condition.

Allele frequency attached by ClinVar (database versions not stated): ESP Exome Variant Server 0.00150; gnomAD 0.00387; 1000 Genomes Project 0.00459; 1000 Genomes Project 30x 0.00484; TOPMed 0.00488; ExAC 0.00683.
gnomAD v4.1: 5,467 of 1,613,780 alleles (0.34%); highest among the groups gnomAD compares: Admixed American, 3.1%; 62 homozygotes.

Submission:

PreventionGenetics, part of Exact Sciences
Classification: Benign for CACNA2D3-related condition. Last evaluated: 2021-01-13. Review status: no assertion criteria provided. Collection method: clinical testing. Allele origin: germline.
Comment: This variant is classified as benign based on ACMG/AMP sequence variant interpretation guidelines (Richards et al. 2015 PMID: 25741868, with internal and published modifications).

NM_018398.3(CACNA2D3):c.933T>G (p.Thr311=)

Gene: CACNA2D3 (calcium voltage-gated channel auxiliary subunit alpha2delta 3; plus strand). Cytogenetic location: 3p14.3.
Variant type: single nucleotide variant.
Coding change: c.933T>G on transcript NM_018398.3 (MANE Select); coding-DNA position 933, T replaced by G.
Protein change: p.Thr311=; no amino-acid change (threonine 311 retained).
Molecular consequence: synonymous variant.
Genome position (GRCh38, 1-based): chr3:54,581,847, T>G. VCF-style: chr3-54581847-T-G. GRCh37 (hg19) VCF-style: chr3-54615874-T-G.
Identifiers: ClinVar variation 3049724 (VCV003049724.2), dbSNP rs186772682, ClinGen allele CA2457498.